The following is an entry in ClinVar:

NM_020928.2(ZSWIM6):c.655G>A (p.Val219Ile)

Gene: ZSWIM6 (zinc finger SWIM-type containing 6; plus strand). Cytogenetic location: 5q12.1.
Variant type: single nucleotide variant.
Coding change: c.655G>A on transcript NM_020928.2 (MANE Select); coding-DNA position 655, G replaced by A.
Protein change: p.Val219Ile; replaces valine 219 with isoleucine.
Molecular consequence: missense variant.
Genome position (GRCh38, 1-based): chr5:61,332,927, G>A. VCF-style: chr5-61332927-G-A. GRCh37 (hg19) VCF-style: chr5-60628754-G-A.
Other names: short protein forms V219I.
Identifiers: ClinVar variation 2636386 (VCV002636386.1), dbSNP rs1013468013, ClinGen allele CA359941157.

ClinVar aggregate classification (germline): Uncertain significance (1 of 4 stars; one submission).

Conditions:
ZSWIM6-related disorder. Also called: ZSWIM6-related condition.

Submission:

PreventionGenetics, part of Exact Sciences
Classification: Uncertain significance for ZSWIM6-related condition. Last evaluated: 2023-02-06. Review status: criteria provided, single submitter. Criteria: ACMG Guidelines, 2015. Collection method: clinical testing. Allele origin: germline.
Comment: The ZSWIM6 c.655G>A variant is predicted to result in the amino acid substitution p.Val219Ile. To our knowledge, this variant has not been reported in the literature or in a large population database, indicating this variant is rare. At this time, the clinical significance of this variant is uncertain due to the absence of conclusive functional and genetic evidence.